The following is an entry in ClinVar:

NM_001146156.2(GSK3B):c.664T>C (p.Tyr222His)

Gene: GSK3B (glycogen synthase kinase 3 beta; minus strand). Cytogenetic location: 3q13.33.
Variant type: single nucleotide variant.
Coding change: c.664T>C on transcript NM_001146156.2 (MANE Select); coding-DNA position 664, T replaced by C.
Protein change: p.Tyr222His; replaces tyrosine 222 with histidine.
Molecular consequence: missense variant.
Genome position (GRCh38, 1-based): chr3:119,912,755, A>G on the plus strand (T>C on the coding strand, the complement: GSK3B is on the minus strand). VCF-style: chr3-119912755-A-G. GRCh37 (hg19) VCF-style: chr3-119631602-A-G.
Other names: c.664T>C, p.Tyr222His (NM_001354596.2, NM_002093.4); short protein forms Y222H.
Identifiers: ClinVar variation 4726733 (VCV004726733.1).

ClinVar aggregate classification (germline): Uncertain significance (1 of 4 stars; one submission).

Submission:

Labcorp Genetics (formerly Invitae), Labcorp
Classification: Uncertain significance. Last evaluated: 2025-09-06. Review status: criteria provided, single submitter. Criteria: Invitae Variant Classification Sherloc (09022015). Collection method: clinical testing. Allele origin: germline.
Comment: This sequence change replaces tyrosine, which is neutral and polar, with histidine, which is basic and polar, at codon 222 of the GSK3B protein (p.Tyr222His). This variant is not present in population databases (gnomAD no frequency). This variant has not been reported in the literature in individuals affected with GSK3B-related conditions. An algorithm developed to predict the effect of missense changes on protein structure and function (PolyPhen-2) suggests that this variant is likely to be disruptive. In summary, the available evidence is currently insufficient to determine the role of this variant in disease. Therefore, it has been classified as a Variant of Uncertain Significance.